The following is an entry in ClinVar:

ClinVar aggregate classification (germline): Uncertain significance. Review status: criteria provided, multiple submitters, no conflicts (2 of 4 stars). 3 submissions from 3 submitters: Uncertain significance (3). Last evaluated 2024-09-10.

Conditions:
Inborn genetic diseases. Identifiers: MedGen C0950123, MeSH D030342.
Leukocyte adhesion deficiency 1 (LAD1). Also called: LEUKOCYTE ADHESION DEFICIENCY, TYPE I; LAD 1; Lymphocyte function-associated antigen 1 immunodeficiency; LFA 1 immunodeficiency. Identifiers: Orphanet 2968, Orphanet 99842, MedGen C0398738, MONDO:0007293, OMIM 116920.

Allele frequency attached by ClinVar (database versions not stated): ExAC 0.00002; TOPMed 0.00003; gnomAD 0.00012 and 0.00013.
gnomAD v4.1: 98 of 1,610,958 alleles (0.0061%); highest among the groups gnomAD compares: Middle Eastern, 0.033%; no homozygotes.

Submissions (3):

Ambry Genetics
Classification: Uncertain significance for Inborn genetic diseases. Last evaluated: 2024-09-10. Review status: criteria provided, single submitter. Criteria: Ambry Variant Classification Scheme 2023. Collection method: clinical testing. Allele origin: germline.

Labcorp Genetics (formerly Invitae), Labcorp
Classification: Uncertain significance for Leukocyte adhesion deficiency 1. Last evaluated: 2022-11-01. Review status: criteria provided, single submitter. Criteria: Invitae Variant Classification Sherloc (09022015). Collection method: clinical testing. Allele origin: germline.
Comment: This sequence change replaces glycine, which is neutral and non-polar, with arginine, which is basic and polar, at codon 681 of the ITGB2 protein (p.Gly681Arg). This variant is present in population databases (rs778865777, gnomAD 0.01%). This variant has not been reported in the literature in individuals affected with ITGB2-related conditions. ClinVar contains an entry for this variant (Variation ID: 898917). Algorithms developed to predict the effect of missense changes on protein structure and function (SIFT, PolyPhen-2, Align-GVGD) all suggest that this variant is likely to be disruptive. In summary, the available evidence is currently insufficient to determine the role of this variant in disease. Therefore, it has been classified as a Variant of Uncertain Significance.

Illumina Laboratory Services, Illumina
Classification: Uncertain significance for Leukocyte adhesion deficiency 1. Last evaluated: 2017-04-27. Review status: criteria provided, single submitter. Criteria: ICSL Variant Classification Criteria 13 December 2019. Collection method: clinical testing. Allele origin: germline.

NM_000211.5(ITGB2):c.2041G>A (p.Gly681Arg)

Gene: ITGB2 (integrin subunit beta 2; minus strand). Cytogenetic location: 21q22.3.
Variant type: single nucleotide variant.
Coding change: c.2041G>A on transcript NM_000211.5 (MANE Select); coding-DNA position 2041, G replaced by A.
Protein change: p.Gly681Arg; replaces glycine 681 with arginine.
Molecular consequence: missense variant.
Genome position (GRCh38, 1-based): chr21:44,888,732, C>T on the plus strand (G>A on the coding strand, the complement: ITGB2 is on the minus strand). VCF-style: chr21-44888732-C-T. GRCh37 (hg19) VCF-style: chr21-46308647-C-T.
Other names: c.2041G>A, p.Gly681Arg (NM_001127491.3); c.1834G>A, p.Gly612Arg (NM_001303238.2); short protein forms G612R, G681R.
Identifiers: ClinVar variation 898917 (VCV000898917.11), dbSNP rs778865777, ClinGen allele CA10062602.
Genomic context (GRCh38, chr21:44,888,732, plus strand): 5'-GCTGCACCCCAGCGGCCTCACCTCGGCTCTCATCCACATAGATGAGGTAGCGGTCCATCC[C>T]GTCCTGCTGCTCCAGCGTGTAGGCCACCCAGCAGCCCTCTGAGTCCCTCTCCTTGCAGGT-3'
Protein context (NP_000202.3, residues 671-691): WVAYTLEQQD[Gly681Arg]MDRYLIYVDE